The following is an entry in ClinVar:

ClinVar aggregate classification (germline): Uncertain significance (1 of 4 stars; one submission).

gnomAD v4.1: 5 of 1,609,216 alleles (0.00031%); highest among the groups gnomAD compares: Non-Finnish European, 0.00034%; no homozygotes.

Submission:

GeneDx
Classification: Uncertain significance. Last evaluated: 2026-01-27. Review status: criteria provided, single submitter. Criteria: GeneDx Variant Classification Process June 2021. Collection method: clinical testing. Allele origin: germline.
Comment: Not observed at significant frequency in large population cohorts (gnomAD); In silico analysis supports a deleterious effect on splicing; Has not been previously published as pathogenic or benign to our knowledge

NM_014714.4(IFT140):c.148-6A>G

Genes: IFT140 (intraflagellar transport 140; minus strand), LOC105371046 (uncharacterized LOC105371046; plus strand). Cytogenetic location: 16p13.3.
Variant type: single nucleotide variant.
Coding change: c.148-6A>G on transcript NM_014714.4 (MANE Select); 6 bases into the intron before coding-DNA position 148, A replaced by G.
Molecular consequence: intron variant.
Genome position (GRCh38, 1-based): chr16:1,602,597, T>C on the plus strand (A>G on the coding strand, the complement: IFT140 is on the minus strand). VCF-style: chr16-1602597-T-C. GRCh37 (hg19) VCF-style: chr16-1652598-T-C.
Identifiers: ClinVar variation 4975452 (VCV004975452.1).